The following is an entry in ClinVar:

ClinVar aggregate classification (germline): Benign. Review status: criteria provided, single submitter (1 of 4 stars). 2 submissions from 2 submitters: Benign (1). 1 of the submissions does not count toward it. Last evaluated 2025-07-06.

Conditions:
Epileptic encephalopathy. Identifiers: MedGen C0543888, HP:0200134.
FASN-related disorder. Also called: FASN-related condition.

Allele frequency attached by ClinVar (database versions not stated): TOPMed 0.00014; gnomAD 0.00085 and 0.00007; gnomAD exomes 0.00127 and 0.00267; ExAC 0.00397; 1000 Genomes Project 30x 0.00468; 1000 Genomes Project 0.00539.
gnomAD v4.1: 1,964 of 1,600,410 alleles (0.12%); highest among the groups gnomAD compares: South Asian, 2.1%; 43 homozygotes.

Submissions (2):

Labcorp Genetics (formerly Invitae), Labcorp
Classification: Benign for Epileptic encephalopathy. Last evaluated: 2025-07-06. Review status: criteria provided, single submitter. Criteria: Invitae Variant Classification Sherloc (09022015). Collection method: clinical testing. Allele origin: germline.

PreventionGenetics, part of Exact Sciences
Classification: Benign for FASN-related condition. Last evaluated: 2020-04-02. Review status: no assertion criteria provided. Collection method: clinical testing. Allele origin: germline. Not counted in ClinVar's aggregate classification.
Comment: This variant is classified as benign based on ACMG/AMP sequence variant interpretation guidelines (Richards et al. 2015 PMID: 25741868, with internal and published modifications).

NM_004104.5(FASN):c.463A>G (p.Ile155Val)

Gene: FASN (fatty acid synthase; minus strand). Cytogenetic location: 17q25.3.
Variant type: single nucleotide variant.
Coding change: c.463A>G on transcript NM_004104.5 (MANE Select); coding-DNA position 463, A replaced by G.
Protein change: p.Ile155Val; replaces isoleucine 155 with valine.
Molecular consequence: missense variant.
Genome position (GRCh38, 1-based): chr17:82,093,411, T>C on the plus strand (A>G on the coding strand, the complement: FASN is on the minus strand). VCF-style: chr17-82093411-T-C. GRCh37 (hg19) VCF-style: chr17-80051287-T-C.
Other names: short protein forms I155V.
Identifiers: ClinVar variation 531089 (VCV000531089.14), dbSNP rs548430047, ClinGen allele CA8853501.